The following is an entry in ClinVar:

NM_001184.4(ATR):c.266G>A (p.Ser89Asn)

Gene: ATR (ATR checkpoint kinase; minus strand). Cytogenetic location: 3q23.
Variant type: single nucleotide variant.
Coding change: c.266G>A on transcript NM_001184.4 (MANE Select); coding-DNA position 266, G replaced by A.
Protein change: p.Ser89Asn; replaces serine 89 with asparagine.
Molecular consequence: missense variant.
Genome position (GRCh38, 1-based): chr3:142,566,147, C>T on the plus strand (G>A on the coding strand, the complement: ATR is on the minus strand). VCF-style: chr3-142566147-C-T. GRCh37 (hg19) VCF-style: chr3-142284989-C-T.
Other names: c.266G>A, p.Ser89Asn (NM_001354579.2); short protein forms S89N.
Identifiers: ClinVar variation 3221094 (VCV003221094.1), dbSNP rs1421634692, ClinGen allele CA354828340.

ClinVar aggregate classification (germline): Uncertain significance (1 of 4 stars; one submission).

Conditions:
Inborn genetic diseases. Identifiers: MedGen C0950123, MeSH D030342.

Allele frequency attached by ClinVar (database versions not stated): gnomAD exomes below 0.00001; gnomAD 0.00001.
gnomAD v4.1: 3 of 1,614,030 alleles (0.00019%); highest among the groups gnomAD compares: East Asian, 0.0067%; no homozygotes.

Submission:

Ambry Genetics
Classification: Uncertain significance for Inborn genetic diseases. Last evaluated: 2024-01-01. Review status: criteria provided, single submitter. Criteria: Ambry Variant Classification Scheme 2023. Collection method: clinical testing. Allele origin: germline.
Comment: The p.S89N variant (also known as c.266G>A), located in coding exon 3 of the ATR gene, results from a G to A substitution at nucleotide position 266. The serine at codon 89 is replaced by asparagine, an amino acid with highly similar properties. This amino acid position is conserved. In addition, this alteration is predicted to be tolerated by in silico analysis. Since supporting evidence is limited at this time, the clinical significance of this alteration remains unclear.